The following is an entry in ClinVar:

NM_000179.3(MSH6):c.2916del (p.Ile972fs)

Gene: MSH6 (mutS homolog 6; plus strand). Cytogenetic location: 2p16.3.
Variant type: Deletion.
Coding change: c.2916del on transcript NM_000179.3 (MANE Select); coding-DNA position 2916, one base deleted (T; older notation c.2916delT).
Protein change: p.Ile972fs; shifts the reading frame from isoleucine 972.
Molecular consequence: frameshift variant.
Genome position (GRCh38, 1-based): chr2:47,800,899, T deleted; the last of 2 consecutive T bases (chr2:47,800,898-47,800,899); deleting either gives the same sequence. VCF-style (leftmost placement, unchanged base first): chr2-47800897-AT-A. GRCh37 (hg19) VCF-style: chr2-48028036-AT-A.
Other names: c.2526del, p.Ile842fs (NM_001281492.2); c.2010del, p.Ile670fs (NM_001281493.2, NM_001281494.2); short protein forms I842fs, I972fs, I670fs.
Identifiers: ClinVar variation 1457815 (VCV001457815.6), dbSNP rs2104430494, ClinGen allele CA2573135017.
Genomic context (GRCh38, chr2:47,800,897, plus strand): 5'-CTGGAATACCTAGAGAAACAGCGCAACAGAATTGGCTGTAGGACCATAGTCTATTGGGGG[AT>A]TGGTAGGAACCGTTACCAGCTGGAAATTCCTGAGAATTTCACCACTCGCAATTTGCCAGA-3'

ClinVar aggregate classification (germline): Pathogenic (1 of 4 stars; one submission).

Conditions:
Hereditary nonpolyposis colorectal neoplasms. Identifiers: MedGen C0009405, MeSH D003123.

Submission:

Labcorp Genetics (formerly Invitae), Labcorp
Classification: Pathogenic for Hereditary nonpolyposis colorectal neoplasms. Last evaluated: 2021-08-22. Review status: criteria provided, single submitter. Criteria: Invitae Variant Classification Sherloc (09022015). Collection method: clinical testing. Allele origin: germline.
Comment: For these reasons, this variant has been classified as Pathogenic. This variant has not been reported in the literature in individuals affected with MSH6-related conditions. This variant is not present in population databases (ExAC no frequency). This sequence change creates a premature translational stop signal (p.Ile972Metfs*25) in the MSH6 gene. It is expected to result in an absent or disrupted protein product. Loss-of-function variants in MSH6 are known to be pathogenic (PMID: 18269114, 24362816).

Literature cited by the submitters: PubMed 18269114; PubMed 24362816.